The following is an entry in ClinVar:

ClinVar aggregate classification (germline): Uncertain significance (1 of 4 stars; one submission).

Conditions:
Arrhythmogenic cardiomyopathy with wooly hair and keratoderma. Also called: Dilated cardiomyopathy with woolly hair and keratoderma; Arrhythmogenic cardiomyopathy with woolly hair and keratoderma; Carvajal syndrome; PALMOPLANTAR KERATODERMA WITH LEFT VENTRICULAR CARDIOMYOPATHY AND WOOLLY HAIR. Identifiers: Orphanet 65282, MedGen C1854063, MONDO:0011581, OMIM 605676.
Arrhythmogenic right ventricular dysplasia 8 (ARVD8). Also called: Arrhythmogenic Right Ventricular Dysplasia/Cardiomyopathy 8; ARRHYTHMOGENIC RIGHT VENTRICULAR CARDIOMYOPATHY 8; ARRHYTHMOGENIC RIGHT VENTRICULAR DYSPLASIA, FAMILIAL, 8. Identifiers: MedGen C1843896, MONDO:0011831, OMIM 607450.

Submission:

Labcorp Genetics (formerly Invitae), Labcorp
Classification: Uncertain significance for Arrhythmogenic cardiomyopathy with wooly hair and keratoderma; Arrhythmogenic right ventricular dysplasia 8. Last evaluated: 2024-08-08. Review status: criteria provided, single submitter. Criteria: Invitae Variant Classification Sherloc (09022015). Collection method: clinical testing. Allele origin: germline.
Comment: This sequence change results in a frameshift in the DSP gene (p.Tyr2862Thrfs*21). While this is not anticipated to result in nonsense mediated decay, it is expected to disrupt the last 10 amino acid(s) of the DSP protein and extend the protein by 10 additional amino acid residues. This variant is present in population databases (rs765683790, gnomAD 0.01%). This variant has not been reported in the literature in individuals affected with DSP-related conditions. ClinVar contains an entry for this variant (Variation ID: 661710). Experimental studies and prediction algorithms are not available or were not evaluated, and the functional significance of this variant is currently unknown. In summary, the available evidence is currently insufficient to determine the role of this variant in disease. Therefore, it has been classified as a Variant of Uncertain Significance.

NM_004415.4(DSP):c.8583del (p.Tyr2862fs)

Gene: DSP (desmoplakin; plus strand). Cytogenetic location: 6p24.3.
Variant type: Deletion.
Coding change: c.8583del on transcript NM_004415.4 (MANE Select); coding-DNA position 8583, one base deleted (C; older notation c.8583delC).
Protein change: p.Tyr2862fs; shifts the reading frame from tyrosine 2862.
Molecular consequence: frameshift variant.
Genome position (GRCh38, 1-based): chr6:7,585,845, C deleted; the last of 2 consecutive C bases (chr6:7,585,844-7,585,845); deleting either gives the same sequence. VCF-style (leftmost placement, unchanged base first): chr6-7585843-TC-T. GRCh37 (hg19) VCF-style: chr6-7586076-TC-T.
Other names: c.6786del, p.Tyr2263fs (NM_001008844.3); c.7254del, p.Tyr2419fs (NM_001319034.2); short protein forms Y2263fs, Y2862fs, Y2419fs.
Identifiers: ClinVar variation 661710 (VCV000661710.9), dbSNP rs765683790, ClinGen allele CA052825.